The following is an entry in ClinVar:

NM_006767.4(LZTR1):c.1449G>C (p.Gln483His)

Gene: LZTR1 (leucine zipper like post translational regulator 1; plus strand). Cytogenetic location: 22q11.21.
Variant type: single nucleotide variant.
Coding change: c.1449G>C on transcript NM_006767.4 (MANE Select); coding-DNA position 1449, G replaced by C.
Protein change: p.Gln483His; replaces glutamine 483 with histidine.
Molecular consequence: missense variant.
Genome position (GRCh38, 1-based): chr22:20,994,019, G>C. VCF-style: chr22-20994019-G-C. GRCh37 (hg19) VCF-style: chr22-21348308-G-C.
Other names: short protein forms Q483H.
Identifiers: ClinVar variation 1772870 (VCV001772870.7), dbSNP rs1203145822, ClinGen allele CA410775381.

ClinVar aggregate classification (germline): Conflicting classifications of pathogenicity. Review status: criteria provided, conflicting classifications (1 of 4 stars). 2 submissions from 2 submitters: Likely pathogenic (1); Uncertain significance (1). Last evaluated 2025-09-05.

Conditions:
Cardiovascular phenotype. Identifiers: MedGen CN230736.
Hereditary cancer-predisposing syndrome. Also called: Hereditary Cancer Syndrome; Hereditary neoplastic syndrome; Neoplastic Syndromes, Hereditary; Tumor predisposition. Identifiers: Orphanet 140162, MedGen C0027672, MeSH D009386, MONDO:0015356.

gnomAD v4.1: 2 of 1,605,720 alleles (0.00012%); highest among the groups gnomAD compares: African/African-American, 0.0013%; no homozygotes.

Submissions (2):

Labcorp Genetics (formerly Invitae), Labcorp
Classification: Uncertain significance. Last evaluated: 2025-09-05. Review status: criteria provided, single submitter. Criteria: Invitae Variant Classification Sherloc (09022015). Collection method: clinical testing. Allele origin: germline.
Comment: This sequence change replaces glutamine, which is neutral and polar, with histidine, which is basic and polar, at codon 483 of the LZTR1 protein (p.Gln483His). This variant also falls at the last nucleotide of exon 13, which is part of the consensus splice site for this exon. This variant is not present in population databases (gnomAD no frequency). This variant has not been reported in the literature in individuals affected with LZTR1-related conditions. ClinVar contains an entry for this variant (Variation ID: 1772870). An algorithm developed to predict the effect of missense changes on protein structure and function (PolyPhen-2) suggests that this variant is likely to be tolerated. Variants that disrupt the consensus splice site are a relatively common cause of aberrant splicing (PMID: 17576681, 9536098). Algorithms developed to predict the effect of sequence changes on RNA splicing suggest that this variant may disrupt the consensus splice site. In summary, the available evidence is currently insufficient to determine the role of this variant in disease. Therefore, it has been classified as a Variant of Uncertain Significance.

Ambry Genetics
Classification: Likely pathogenic for Cardiovascular phenotype; Hereditary cancer-predisposing syndrome. Last evaluated: 2025-05-10. Review status: criteria provided, single submitter. Criteria: Ambry Variant Classification Scheme 2023. Collection method: clinical testing. Allele origin: germline.
Comment: The c.1449G>C variant (also known as p.Q483H), located in coding exon 13 of the LZTR1 gene, results from a G to C substitution at nucleotide position 1449. The amino acid change results in glutamine to histidine at codon 483, an amino acid with highly similar properties. However, this change occurs in the last base pair of coding exon 13, which makes it likely to have some effect on normal mRNA splicing. This nucleotide position is well conserved in available vertebrate species. In silico splice site analysis predicts that this alteration will weaken the native splice donor site and will result in the creation or strengthening of a novel splice donor site. RNA studies have demonstrated that this alteration results in abnormal splicing in the set of samples tested (Ambry internal data). Loss-of-function variants in LZTR1 are related to an increased risk for schwannomas and autosomal recessive Noonan syndrome; however, such associations with autosomal dominant Noonan syndrome have not been observed (Piotrowski A et al. Nat Genet. 2014 Feb;46:182-7; Yamamoto GL et al. J Med Genet. 2015 Jun;52:413-21; Johnston JJ et al. Genet Med. 2018 10;20:1175-1185). This variant is considered to be rare based on population cohorts in the Genome Aggregation Database (gnomAD). Based on the supporting evidence, this variant is likely pathogenic for an increased risk of LZTR1-related schwannomatosis (SWN) and would be expected to cause autosomal recessive Noonan syndrome when present along with a second pathogenic or likely pathogenic variant on the other allele; however, the association of this alteration with autosomal dominant Noonan syndrome is unlikely.

Literature cited by the submitters: PubMed 17576681 (cited by Labcorp Genetics (formerly Invitae), Labcorp); PubMed 9536098 (cited by Labcorp Genetics (formerly Invitae), Labcorp).